The following is an entry in ClinVar:

ClinVar aggregate classification (germline): Pathogenic (1 of 4 stars; one submission).

Conditions:
3-Methylglutaconic aciduria type 3 (MGCA3). Also called: OPA3, AUTOSOMAL RECESSIVE; OPTIC ATROPHY 3, AUTOSOMAL RECESSIVE; Costeff Syndrome; OPA3-Related 3-Methylglutaconic Aciduria. Identifiers: Orphanet 67047, MedGen C0574084, MONDO:0009787, OMIM 258501.
Optic atrophy 3 (OPA3). Also called: Optic atrophy, cataract, and neurologic disorder; OPTIC ATROPHY 3, AUTOSOMAL DOMINANT; Optic atrophy 3 with cataract. Identifiers: Orphanet 67036, MedGen C1833809, MONDO:0008133, OMIM 165300.

Submission:

Labcorp Genetics (formerly Invitae), Labcorp
Classification: Pathogenic for 3-Methylglutaconic aciduria type 3; Optic atrophy 3. Last evaluated: 2023-10-26. Review status: criteria provided, single submitter. Criteria: Invitae Variant Classification Sherloc (09022015). Collection method: clinical testing. Allele origin: unknown.
Comment: A gross deletion of the genomic region encompassing the full coding sequence of the OPA3 gene has been identified. Loss-of-function variants in OPA3 are known to be pathogenic (PMID: 11668429, 25201222). The boundaries of this event are unknown as they extend beyond the assayed region for this gene and therefore may encompass additional genes. This variant has not been reported in the literature in individuals affected with OPA3-related conditions. For these reasons, this variant has been classified as Pathogenic.

Literature cited by the submitters: PubMed 11668429; PubMed 25201222.

NC_000019.9:g.(?_46056772)_(46088022_?)del

Gene: OPA3 (outer mitochondrial membrane lipid metabolism regulator OPA3; minus strand). Cytogenetic location: 19q13.32.
Variant type: Deletion.
Identifiers: ClinVar variation 3248433 (VCV003248433.1).